The following is an entry in ClinVar:

ClinVar aggregate classification (germline): Pathogenic/Likely pathogenic. Review status: criteria provided, multiple submitters, no conflicts (2 of 4 stars). 3 submissions from 3 submitters: Pathogenic (2); Likely pathogenic (1). Last evaluated 2026-07-01.

Conditions:
Glycogen storage disease, type II (IOPD). Also called: CARDIOMEGALIA GLYCOGENICA DIFFUSA; GLYCOGENOSIS, GENERALIZED, CARDIAC FORM; GSD II; Glycogen storage disease type 2; Acid maltase deficiency disease; Aglucosidase alfa. Identifiers: Orphanet 365, MedGen C0017921, MONDO:0009290, OMIM 232300.

Submissions (3):

Genomenon, Inc
Classification: Pathogenic for Glycogen storage disease, type II. Last evaluated: 2026-07-01. Review status: criteria provided, single submitter. Criteria: Genomenon Sequence Variant Interpretation Standards - Updated. Collection method: curation. Allele origin: germline. Affected: yes.
Comment: GAA p.Phe181AspfsTer6 (c.541_545del) is a frameshift variant that is predicted to introduce a premature termination codon and result in a truncated or absent protein product. This variant has been observed in at least one proband with a GAA-related disorder (PMID:36074069;34922579;25626711). It is absent or not present at a significant frequency in gnomAD. In conclusion, we classify GAA p.Phe181AspfsTer6 (c.541_545del) as a pathogenic variant.

Myriad Genetics, Inc.
Classification: Pathogenic for Glycogen storage disease, type II. Last evaluated: 2025-09-13. Review status: criteria provided, single submitter. Criteria: Myriad Autosomal Dominant, Autosomal Recessive and X-Linked Classification Criteria (2023). Collection method: clinical testing. Allele origin: unknown.
Comment: NM_000152.3(GAA):c.541_545del5(F181Dfs*6) is expected to be pathogenic in the context of Pompe disease. This variant is predicted to lead to an abnormal or absent protein product due to the creation of a premature termination codon in GAA, a gene where loss-of-function variants are known to be pathogenic. Please note: this variant was assessed in the context of healthy population screening.

Foundation for Research in Genetics and Endocrinology, FRIGE's Institute of Human Genetics
Classification: Likely pathogenic for Glycogen storage disease, type II. Last evaluated: 2025-04-19. Review status: criteria provided, single submitter. Criteria: ACMG Guidelines, 2015. Collection method: clinical testing. Allele origin: germline. Inheritance: Autosomal recessive inheritance. Affected: yes. Observed: 1 homozygote.
Comment: A homozygous five base pair deletion in exon 2 of the GAA gene (chr17:g.78078922_78078926; Depth: 48x) that results in the frameshift and premature truncation of the protein, 6 amino acids downstream to codon 181 (p.Phe181AspfsTer6; ENST00000302262.3) was detected. This variant has not been reported in the 1000 genomes and gnomAD databases. The in-silico prediction of the variant is deleterious by MutationTaster2. In summary, the variant meets our criteria to be classified as likely pathogenic.

Literature cited by the submitters: PubMed 36074069 (cited by Genomenon, Inc); PubMed 34922579 (cited by Genomenon, Inc); PubMed 25626711 (cited by Genomenon, Inc).

NM_000152.5(GAA):c.541_545del (p.Phe181fs)

Gene: GAA (alpha glucosidase; plus strand). Cytogenetic location: 17q25.3.
Variant type: Deletion.
Coding change: c.541_545del on transcript NM_000152.5 (MANE Select); coding-DNA positions 541 to 545, 5 bases deleted (TTCAC; older notation c.541_545delTTCAC).
Protein change: p.Phe181fs; shifts the reading frame from phenylalanine 181.
Molecular consequence: frameshift variant.
Genome position (GRCh38, 1-based): chr17:80,105,127-80,105,131, TTCAC deleted; deleting any 5 consecutive bases within chr17:80,105,124-80,105,131 gives the same sequence; the c. name uses the placement nearest the transcript's 3' end. VCF-style (leftmost placement, unchanged base first): chr17-80105123-CCACTT-C. GRCh37 (hg19) VCF-style: chr17-78078922-CCACTT-C.
Other names: p.Phe181AspfsTer6; c.541_545del, p.Phe181fs (NM_001079803.3, NM_001079804.3, NM_001406741.1 and 1 more transcripts); short protein forms F181fs.
Identifiers: ClinVar variation 3893206 (VCV003893206.3).